The following is an entry in ClinVar:

NM_016955.4(SEPSECS):c.115-574G>T

Gene: SEPSECS (Sep (O-phosphoserine) tRNA:Sec (selenocysteine) tRNA synthase; minus strand). Cytogenetic location: 4p15.2.
Variant type: single nucleotide variant.
Coding change: c.115-574G>T on transcript NM_016955.4 (MANE Select); 574 bases into the intron before coding-DNA position 115, G replaced by T.
Molecular consequence: intron variant. On other transcripts: synonymous variant (1).
Genome position (GRCh38, 1-based): chr4:25,159,681, C>A on the plus strand (G>T on the coding strand, the complement: SEPSECS is on the minus strand). VCF-style: chr4-25159681-C-A. GRCh37 (hg19) VCF-style: chr4-25161303-C-A.
Other names: c.198G>T, p.Ser66= (NM_001410714.1).
Identifiers: ClinVar variation 3388205 (VCV003388205.14).
Genomic context (GRCh38, chr4:25,159,681, plus strand): 5'-CATTAACCGGGTGTGGTGGCGGGCGCCTGTAGTCCCAGCTACTCGGGAGGCTGAGGCAGG[C>A]GAATGGCGTGAACCCGGGAGGCGGAGGCTGCAGTGAGCCGAGATCGTCACACTGCATTCC-3'

ClinVar aggregate classification (germline): Likely benign (1 of 4 stars; one submission).

Submission:

CeGaT Center for Human Genetics Tuebingen
Classification: Likely benign. Last evaluated: 2024-11-01. Review status: criteria provided, single submitter. Criteria: CeGaT Center For Human Genetics Tuebingen Variant Classification Criteria Version 2. Collection method: clinical testing. Allele origin: germline. Affected: yes. Observed: 1 variant allele.
Comment: SEPSECS: BP4, BP7